The following is an entry in ClinVar:

NM_177438.3(DICER1):c.3749del (p.Ser1250fs)

Gene: DICER1 (dicer 1, ribonuclease III; minus strand). Cytogenetic location: 14q32.13.
Variant type: Deletion.
Coding change: c.3749del on transcript NM_177438.3 (MANE Select); coding-DNA position 3749, one base deleted (C; older notation c.3749delC).
Protein change: p.Ser1250fs; shifts the reading frame from serine 1250.
Molecular consequence: frameshift variant.
Genome position (GRCh38, 1-based): chr14:95,103,647, G deleted on the plus strand (C on the coding strand, the reverse complement: DICER1 is on the minus strand). VCF-style (leftmost placement, unchanged base first): chr14-95103646-AG-A. GRCh37 (hg19) VCF-style: chr14-95569983-AG-A.
Other names: c.3749del, p.Ser1250fs (NM_001195573.1, NM_001271282.3, NM_001291628.2 and 1 more transcripts); short protein forms S1250fs.
Identifiers: ClinVar variation 933024 (VCV000933024.3), dbSNP rs1891110127, ClinGen allele CA1139663711.

ClinVar aggregate classification (germline): Pathogenic (1 of 4 stars; one submission).

Conditions:
DICER1-related tumor predisposition. Also called: DICER1-related pleuropulmonary blastoma cancer predisposition syndrome; DICER1 syndrome. Identifiers: Orphanet 284343, MedGen C3839822, MONDO:0100216.

Submission:

Foulkes Cancer Genetics LDI, Lady Davis Institute for Medical Research
Classification: Pathogenic for Pleuropulmonary blastoma. Last evaluated: 2019-07-01. Review status: criteria provided, single submitter. Criteria: ACMG Guidelines, 2015. Collection method: curation. Allele origin: germline. Affected: yes. Observed: 1 variant allele.
Comment: ACMG criteria met: PVS1, PM2, PP4

Literature cited by the submitters: PubMed 24675358.